The following is an entry in ClinVar:

NM_001142864.4(PIEZO1):c.2559G>A (p.Met853Ile)

Genes: HSALR1 (HSP90AB1 associated lncRNA 1; plus strand), PIEZO1 (piezo type mechanosensitive ion channel component 1 (Er blood group); minus strand). Cytogenetic location: 16q24.3.
Variant type: single nucleotide variant.
Coding change: c.2559G>A on transcript NM_001142864.4 (MANE Select); coding-DNA position 2559, G replaced by A.
Protein change: p.Met853Ile; replaces methionine 853 with isoleucine.
Molecular consequence: missense variant.
Genome position (GRCh38, 1-based): chr16:88,733,383, C>T on the plus strand (G>A on the coding strand, the complement: PIEZO1 is on the minus strand). VCF-style: chr16-88733383-C-T. GRCh37 (hg19) VCF-style: chr16-88799791-C-T.
Other names: c.1101G>A, p.Met367Ile (NM_014745.1); short protein forms M367I, M853I.
Identifiers: ClinVar variation 2672158 (VCV002672158.1), dbSNP rs1458795778, ClinGen allele CA397111827.
Genomic context (GRCh38, chr16:88,733,383, plus strand): 5'-CTGGTACAGCATCTTACACACGATGATGACGCAGGTCCACACGGTGGACAGGCAGGAGGC[C>T]ATGGGCCGGAAGCGTGGGTAGGGCAGGGCGAAGGCCCACAGCACCACCAGCAGCAGGTTC-3'
Protein context (NP_001136336.2, residues 843-863): FALPYPRFRP[Met853Ile]ASCLSTVWTC

ClinVar aggregate classification (germline): Uncertain significance (1 of 4 stars; one submission).

Conditions:
Lymphatic malformation 6 (LMPHM6). Also called: GENERALIZED LYMPHATIC DYSPLASIA OF FOTIOU; Lymphedema, hereditary, III; PIEZO1-related generalized lymphatic dysplasia with non-immune hydrops fetalis. Identifiers: Orphanet 568062, MedGen C4225184, MONDO:0014797, OMIM 616843.

Allele frequency attached by ClinVar (database versions not stated): gnomAD exomes below 0.00001; TOPMed below 0.00001; gnomAD 0.00001.
gnomAD v4.1: 3 of 1,550,070 alleles (0.00019%); highest among the groups gnomAD compares: African/African-American, 0.0014%; no homozygotes.

Submission:

Clinical Genomics Laboratory, Washington University in St. Louis
Classification: Uncertain significance for Lymphatic malformation 6. Last evaluated: 2023-10-16. Review status: criteria provided, single submitter. Criteria: ACMG Guidelines, 2015. Collection method: clinical testing. Allele origin: germline.
Comment: The PIEZO1 c.2559G>A (p.Met853Ile) variant was identified at a near heterozygous allelic fraction. This variant, to our knowledge, has not been reported in the medical literature. This variant is only observed on 1/152,234 alleles in the general population (gnomAD v.3.1.2), indicating it is not a common variant. Computational predictors suggest that the variant does not impact PIEZO1 function. Due to limited information, and based on ACMG/AMP guidelines for variant interpretation (Richards S et al., PMID: 25741868), the clinical significance of this variant is uncertain at this time.